The following is an entry in ClinVar:

NM_000214.3(JAG1):c.*1493A>G

Gene: JAG1 (jagged canonical Notch ligand 1; minus strand). Cytogenetic location: 20p12.2.
Variant type: single nucleotide variant.
Coding change: c.*1493A>G on transcript NM_000214.3 (MANE Select); 1493 bases downstream of the stop codon, A replaced by G.
Molecular consequence: 3 prime UTR variant.
Genome position (GRCh38, 1-based): chr20:10,638,005, T>C on the plus strand (A>G on the coding strand, the complement: JAG1 is on the minus strand). VCF-style: chr20-10638005-T-C. GRCh37 (hg19) VCF-style: chr20-10618653-T-C.
Other names: c.*1493A>G (LRG_1191t1).
Identifiers: ClinVar variation 337718 (VCV000337718.5), dbSNP rs78471165, ClinGen allele CA10652940.

ClinVar aggregate classification (germline): Benign (1 of 4 stars; one submission).

Conditions:
Isolated Nonsyndromic Congenital Heart Disease.

Allele frequency attached by ClinVar (database versions not stated): gnomAD 0.00005 and 0.00004; 1000 Genomes Project 30x 0.00031; 1000 Genomes Project 0.00040; TOPMed 0.00002.

Submission:

Illumina Laboratory Services, Illumina
Classification: Benign for Isolated Nonsyndromic Congenital Heart Disease. Last evaluated: 2018-01-13. Review status: criteria provided, single submitter. Criteria: ICSL Variant Classification Criteria 13 December 2019. Collection method: clinical testing. Allele origin: germline.
Comment: This variant was observed in the ICSL laboratory as part of a predisposition screen in an ostensibly healthy population. It had not been previously curated by ICSL or reported in the Human Gene Mutation Database (HGMD: prior to June 1st, 2018), and was therefore a candidate for classification through an automated scoring system. Utilizing variant allele frequency, disease prevalence and penetrance estimates, and inheritance mode, an automated score was calculated to assess if this variant is too frequent to cause the disease. Based on the score and internal cut-off values, a variant classified as benign is not then subjected to further curation. The score for this variant resulted in a classification of benign for this disease.